The following is an entry in ClinVar:

ClinVar aggregate classification (germline): Benign/Likely benign. Review status: criteria provided, multiple submitters, no conflicts (2 of 4 stars). 5 submissions from 5 submitters: Benign (1); Likely benign (3). 1 of the submissions does not count toward it. Last evaluated 2026-01-06.

Conditions:
MCM4-related disorder. Also called: MCM4-related condition.
Primary immunodeficiency with natural-killer cell deficiency and adrenal insufficiency (IMD54). Also called: Natural killer cell and glucocorticoid deficiency with DNA repair defect; IMMUNODEFICIENCY 54. Identifiers: Orphanet 75391, MedGen C1864947, MONDO:0012383, OMIM 609981.

Allele frequency attached by ClinVar (database versions not stated): gnomAD exomes 0.00021 and 0.00066; ExAC 0.00091; ESP Exome Variant Server 0.00284; gnomAD 0.00294 and 0.00313; TOPMed 0.00294; 1000 Genomes Project 0.00339; 1000 Genomes Project 30x 0.00437.
gnomAD v4.1: 760 of 1,614,212 alleles (0.047%); highest among the groups gnomAD compares: African/African-American, 0.95%; 4 homozygotes.

Submissions (5):

Labcorp Genetics (formerly Invitae), Labcorp
Classification: Benign. Last evaluated: 2026-01-06. Review status: criteria provided, single submitter. Criteria: Invitae Variant Classification Sherloc (09022015). Collection method: clinical testing. Allele origin: germline.

Blueprint Genetics
Classification: Likely benign. Last evaluated: 2024-09-04. Review status: criteria provided, single submitter. Criteria: ACMG Guidelines, 2015. Collection method: clinical testing. Allele origin: germline.

Illumina Laboratory Services, Illumina
Classification: Likely benign for Primary immunodeficiency with natural-killer cell deficiency and adrenal insufficiency. Last evaluated: 2018-01-12. Review status: criteria provided, single submitter. Criteria: ICSL Variant Classification Criteria 13 December 2019. Collection method: clinical testing. Allele origin: germline.
Comment: This variant was observed in the ICSL laboratory as part of a predisposition screen in an ostensibly healthy population. It had not been previously curated by ICSL or reported in the Human Gene Mutation Database (HGMD: prior to June 1st, 2018), and was therefore a candidate for classification through an automated scoring system. Utilizing variant allele frequency, disease prevalence and penetrance estimates, and inheritance mode, an automated score was calculated to assess if this variant is too frequent to cause the disease. Based on the score and internal cut-off values, a variant classified as likely benign is not then subjected to further curation. The score for this variant resulted in a classification of likely benign for this disease.

Breakthrough Genomics
Classification: Likely benign. Review status: criteria provided, single submitter. Criteria: ACMG Guidelines, 2015. Collection method: not provided. Allele origin: germline. Inheritance: Autosomal recessive inheritance. Affected: yes.

PreventionGenetics, part of Exact Sciences
Classification: Benign for MCM4-related condition. Last evaluated: 2019-07-10. Review status: no assertion criteria provided. Collection method: clinical testing. Allele origin: germline. Not counted in ClinVar's aggregate classification.
Comment: This variant is classified as benign based on ACMG/AMP sequence variant interpretation guidelines (Richards et al. 2015 PMID: 25741868, with internal and published modifications).

NM_182746.3(MCM4):c.1659A>G (p.Thr553=)

Gene: MCM4 (minichromosome maintenance complex component 4; plus strand). Cytogenetic location: 8q11.21.
Variant type: single nucleotide variant.
Coding change: c.1659A>G on transcript NM_182746.3 (MANE Select); coding-DNA position 1659, A replaced by G.
Protein change: p.Thr553=; no amino-acid change (threonine 553 retained).
Molecular consequence: synonymous variant.
Genome position (GRCh38, 1-based): chr8:47,970,735, A>G. VCF-style: chr8-47970735-A-G. GRCh37 (hg19) VCF-style: chr8-48883295-A-G.
Other names: c.1659A>G, p.Thr553= (LRG_1239t1, NM_005914.4).
Identifiers: ClinVar variation 363235 (VCV000363235.19), dbSNP rs17287677, ClinGen allele CA4742664.